The following is an entry in ClinVar:

ClinVar aggregate classification (germline): Uncertain significance. Review status: criteria provided, multiple submitters, no conflicts (2 of 4 stars). 2 submissions from 2 submitters: Uncertain significance (2). Last evaluated 2025-01-13.

Conditions:
Hereditary cancer-predisposing syndrome. Also called: Neoplastic Syndromes, Hereditary; Hereditary Cancer Syndrome; Hereditary neoplastic syndrome; Tumor predisposition. Identifiers: Orphanet 140162, MedGen C0027672, MeSH D009386, MONDO:0015356.
Bloom syndrome (BLM). Also called: Bloom-Torre-Machacek syndrome. Identifiers: Orphanet 125, MedGen C0005859, MONDO:0008876, OMIM 210900.

Submissions (2):

Labcorp Genetics (formerly Invitae), Labcorp
Classification: Uncertain significance for Bloom syndrome. Last evaluated: 2025-01-13. Review status: criteria provided, single submitter. Criteria: Invitae Variant Classification Sherloc (09022015). Collection method: clinical testing. Allele origin: germline.
Comment: This sequence change replaces serine, which is neutral and polar, with alanine, which is neutral and non-polar, at codon 328 of the BLM protein (p.Ser328Ala). This variant is not present in population databases (gnomAD no frequency). This variant has not been reported in the literature in individuals affected with BLM-related conditions. ClinVar contains an entry for this variant (Variation ID: 1421456). Invitae Evidence Modeling of protein sequence and biophysical properties (such as structural, functional, and spatial information, amino acid conservation, physicochemical variation, residue mobility, and thermodynamic stability) indicates that this missense variant is not expected to disrupt BLM protein function with a negative predictive value of 80%. In summary, the available evidence is currently insufficient to determine the role of this variant in disease. Therefore, it has been classified as a Variant of Uncertain Significance.

Ambry Genetics
Classification: Uncertain significance for Hereditary cancer-predisposing syndrome. Last evaluated: 2023-06-09. Review status: criteria provided, single submitter. Criteria: Ambry Variant Classification Scheme 2023. Collection method: clinical testing. Allele origin: germline.
Comment: The p.S328A variant (also known as c.982T>G), located in coding exon 4 of the BLM gene, results from a T to G substitution at nucleotide position 982. The serine at codon 328 is replaced by alanine, an amino acid with similar properties. This amino acid position is conserved. In addition, this alteration is predicted to be tolerated by in silico analysis. Since supporting evidence is limited at this time, the clinical significance of this alteration remains unclear.

NM_000057.4(BLM):c.982T>G (p.Ser328Ala)

Gene: BLM (BLM RecQ like helicase; plus strand). Cytogenetic location: 15q26.1.
Variant type: single nucleotide variant.
Coding change: c.982T>G on transcript NM_000057.4 (MANE Select); coding-DNA position 982, T replaced by G.
Protein change: p.Ser328Ala; replaces serine 328 with alanine.
Molecular consequence: missense variant. On other transcripts: 5 prime UTR variant (1).
Genome position (GRCh38, 1-based): chr15:90,754,833, T>G. VCF-style: chr15-90754833-T-G. GRCh37 (hg19) VCF-style: chr15-91298063-T-G.
Other names: c.982T>G (NM_000057.2); c.982T>G, p.Ser328Ala (NM_001287246.2, NM_001287247.2); c.-310T>G (NM_001287248.2); short protein forms S328A.
Identifiers: ClinVar variation 1421456 (VCV001421456.9), dbSNP rs2151152087, ClinGen allele CA393842027.